The following is an entry in ClinVar:

NM_016222.4(DDX41):c.1803G>A (p.Met601Ile)

Gene: DDX41 (DEAD-box helicase 41; minus strand). Cytogenetic location: 5q35.3.
Variant type: single nucleotide variant.
Coding change: c.1803G>A on transcript NM_016222.4 (MANE Select); coding-DNA position 1803, G replaced by A.
Protein change: p.Met601Ile; replaces methionine 601 with isoleucine.
Molecular consequence: missense variant.
Genome position (GRCh38, 1-based): chr5:177,511,857, C>T on the plus strand (G>A on the coding strand, the complement: DDX41 is on the minus strand). VCF-style: chr5-177511857-C-T. GRCh37 (hg19) VCF-style: chr5-176938858-C-T.
Other names: c.1425G>A, p.Met475Ile (NM_001321732.2, NM_001321830.2); short protein forms M601I, M475I.
Identifiers: ClinVar variation 3838922 (VCV003838922.1).

ClinVar aggregate classification (germline): Uncertain significance (1 of 4 stars; one submission).

Conditions:
Inborn genetic diseases. Identifiers: MedGen C0950123, MeSH D030342.

gnomAD v4.1: 3 of 1,614,178 alleles (0.00019%); highest among the groups gnomAD compares: South Asian, 0.0033%; no homozygotes.

Submission:

Ambry Genetics
Classification: Uncertain significance for Inborn genetic diseases. Last evaluated: 2024-12-31. Review status: criteria provided, single submitter. Criteria: Ambry Variant Classification Scheme 2023. Collection method: clinical testing. Allele origin: germline.
Comment: The p.M601I variant (also known as c.1803G>A), located in coding exon 17 of the DDX41 gene, results from a G to A substitution at nucleotide position 1803. The methionine at codon 601 is replaced by isoleucine, an amino acid with highly similar properties. This amino acid position is highly conserved in available vertebrate species. In addition, the in silico prediction for this alteration is inconclusive. Based on the available evidence, the clinical significance of this variant remains unclear.